The following is an entry in ClinVar:

ClinVar aggregate classification (germline): Uncertain significance (1 of 4 stars; one submission).

Conditions:
Catecholaminergic polymorphic ventricular tachycardia (CVPT). Also called: Catecholamine-induced polymorphic ventricular tachycardia. Identifiers: Orphanet 3286, MedGen C5574922, MONDO:0017990.

Submission:

Labcorp Genetics (formerly Invitae), Labcorp
Classification: Uncertain significance for Catecholaminergic polymorphic ventricular tachycardia 1. Last evaluated: 2017-12-18. Review status: criteria provided, single submitter. Criteria: Invitae Variant Classification Sherloc (09022015). Collection method: clinical testing. Allele origin: germline.
Comment: This sequence change replaces asparagine with aspartic acid at codon 2386 of the RYR2 protein (p.Asn2386Asp). The asparagine residue is highly conserved and there is a small physicochemical difference between asparagine and aspartic acid. This variant is not present in population databases (ExAC no frequency). This variant has not been reported in the literature in individuals with RYR2-related disease. Algorithms developed to predict the effect of missense changes on protein structure and function do not agree on the potential impact of this missense change (SIFT: "Deleterious"; PolyPhen-2: "Benign"; Align-GVGD: "Class C15"). A different missense substitution at this codon (p.Asn2386Ile) has been reported to segregate with arrhythmogenic right ventricular dysplasia/cardiomyopathy in a large multigenerational family (PMID: 11159936). In summary, the available evidence is currently insufficient to determine the role of this variant in disease. Therefore, it has been classified as a Variant of Uncertain Significance.

Literature cited by the submitters: PubMed 11159936.

NM_001035.3(RYR2):c.7156A>G (p.Asn2386Asp)

Gene: RYR2 (ryanodine receptor 2; plus strand). Cytogenetic location: 1q43.
Variant type: single nucleotide variant.
Coding change: c.7156A>G on transcript NM_001035.3 (MANE Select); coding-DNA position 7156, A replaced by G.
Protein change: p.Asn2386Asp; replaces asparagine 2386 with aspartic acid.
Molecular consequence: missense variant.
Genome position (GRCh38, 1-based): chr1:237,640,937, A>G. VCF-style: chr1-237640937-A-G. GRCh37 (hg19) VCF-style: chr1-237804237-A-G.
Other names: c.7156A>G, p.Asn2386Asp (LRG_402t1); short protein forms N2386D.
Identifiers: ClinVar variation 532341 (VCV000532341.2), dbSNP rs1553264670, ClinGen allele CA345396648.